The following is an entry in ClinVar:

ClinVar aggregate classification (germline): Uncertain significance (1 of 4 stars; one submission).

Conditions:
WDPCP-related disorder. Also called: WDPCP-related condition.

Submission:

PreventionGenetics, part of Exact Sciences
Classification: Uncertain significance for WDPCP-related condition. Last evaluated: 2025-03-26. Review status: criteria provided, single submitter. Criteria: ACMG Guidelines, 2015. Collection method: clinical testing. Allele origin: germline.
Comment: The WDPCP c.41C>G variant is predicted to result in the amino acid substitution p.Ala14Gly. To our knowledge, this variant has not been reported in the literature or in a large population database (gnomAD), indicating this variant is rare. At this time, the clinical significance of this variant is uncertain due to the absence of conclusive functional and genetic evidence.

NM_015910.7(WDPCP):c.41C>G (p.Ala14Gly)

Gene: WDPCP (WD repeat containing planar cell polarity effector; minus strand). Cytogenetic location: 2p15.
Variant type: single nucleotide variant.
Coding change: c.41C>G on transcript NM_015910.7 (MANE Select); coding-DNA position 41, C replaced by G.
Protein change: p.Ala14Gly; replaces alanine 14 with glycine.
Molecular consequence: missense variant. On other transcripts: 5 prime UTR variant (1), non-coding transcript variant (2).
Genome position (GRCh38, 1-based): chr2:63,588,231, G>C on the plus strand (C>G on the coding strand, the complement: WDPCP is on the minus strand). VCF-style: chr2-63588231-G-C. GRCh37 (hg19) VCF-style: chr2-63815365-G-C.
Other names: c.-284C>G (NM_001354044.2); c.41C>G, p.Ala14Gly (NM_001354045.2); short protein forms A14G.
Identifiers: ClinVar variation 5000657 (VCV005000657.1).
Genomic context (GRCh38, chr2:63,588,231, plus strand): 5'-CCCCTTGCCCTCGGGCCAGGGCTCACCTGTCTCGGGAGTGGGGAAGAAGCGCGACTCCCG[G>C]CCGCTTTGGAGTAGGCGTCCCAGCAAAACTCTCGCCTCATCACCAGACACTACCCCGGGC-3'
Protein context (NP_056994.3, residues 4-24): EFCWDAYSKA[Ala14Gly]GSRASSPLPR